The following is an entry in ClinVar:

NM_001166114.2(PNPLA6):c.414-3C>G

Gene: PNPLA6 (patatin like domain 6, lysophospholipase; plus strand). Cytogenetic location: 19p13.2.
Variant type: single nucleotide variant.
Coding change: c.414-3C>G on transcript NM_001166114.2 (MANE Select); 3 bases into the intron before coding-DNA position 414, C replaced by G.
Molecular consequence: intron variant.
Genome position (GRCh38, 1-based): chr19:7,539,915, C>G. VCF-style: chr19-7539915-C-G. GRCh37 (hg19) VCF-style: chr19-7604801-C-G.
Other names: c.297-3C>G (NM_006702.5, NM_001166112.2, NM_001166113.1); c.441-3C>G (NM_001166111.2).
Identifiers: ClinVar variation 1480277 (VCV001480277.6), dbSNP rs1312058418, ClinGen allele CA631320724.
Genomic context (GRCh38, chr19:7,539,915, plus strand): 5'-CTTAGGTTTGCCTGAGCCTTCTCCGTGCCCCCCTCACCCCCGGCACCCCTCCCCTCCCAC[C>G]AGGATCCTGCGCATCCAGAAAGAGACGCCCACGCTGCAGCGGAAGGAGCCCCCGCCCGCA-3'

ClinVar aggregate classification (germline): Uncertain significance (1 of 4 stars; one submission).

Conditions:
Hereditary spastic paraplegia 39 (SPG39). Also called: Spastic Paraplegia Type 39 (SPG39); SPASTIC PARAPLEGIA 39, AUTOSOMAL RECESSIVE. Identifiers: Orphanet 139480, MedGen C2677586, MONDO:0012787, OMIM 612020.

Allele frequency attached by ClinVar (database versions not stated): gnomAD 0.00001; TOPMed 0.00001.
gnomAD v4.1: 4 of 1,543,100 alleles (0.00026%); highest among the groups gnomAD compares: East Asian, 0.0073%; no homozygotes.

Submission:

Labcorp Genetics (formerly Invitae), Labcorp
Classification: Uncertain significance for Hereditary spastic paraplegia 39. Last evaluated: 2022-06-13. Review status: criteria provided, single submitter. Criteria: Invitae Variant Classification Sherloc (09022015). Collection method: clinical testing. Allele origin: germline.
Comment: In summary, the available evidence is currently insufficient to determine the role of this variant in disease. Therefore, it has been classified as a Variant of Uncertain Significance. Variants that disrupt the consensus splice site are a relatively common cause of aberrant splicing (PMID: 17576681, 9536098). Algorithms developed to predict the effect of sequence changes on RNA splicing suggest that this variant may create or strengthen a splice site. This variant has not been reported in the literature in individuals affected with PNPLA6-related conditions. This variant is not present in population databases (gnomAD no frequency). This sequence change falls in intron 6 of the PNPLA6 gene. It does not directly change the encoded amino acid sequence of the PNPLA6 protein. It affects a nucleotide within the consensus splice site.

Literature cited by the submitters: PubMed 17576681; PubMed 9536098.